The following is an entry in ClinVar:

NM_002354.3(EPCAM):c.335G>A (p.Gly112Asp)

Gene: EPCAM (epithelial cell adhesion molecule; plus strand). Cytogenetic location: 2p21.
Variant type: single nucleotide variant.
Coding change: c.335G>A on transcript NM_002354.3 (MANE Select); coding-DNA position 335, G replaced by A.
Protein change: p.Gly112Asp; replaces glycine 112 with aspartic acid.
Molecular consequence: missense variant.
Genome position (GRCh38, 1-based): chr2:47,373,958, G>A. VCF-style: chr2-47373958-G-A. GRCh37 (hg19) VCF-style: chr2-47601097-G-A.
Other names: short protein forms G112D.
Identifiers: ClinVar variation 4018583 (VCV004018583.1).

ClinVar aggregate classification (germline): Uncertain significance (1 of 4 stars; one submission).

Conditions:
Hereditary cancer-predisposing syndrome. Also called: Tumor predisposition; Hereditary neoplastic syndrome; Neoplastic Syndromes, Hereditary; Hereditary Cancer Syndrome. Identifiers: Orphanet 140162, MedGen C0027672, MeSH D009386, MONDO:0015356.

Submission:

Ambry Genetics
Classification: Uncertain significance for Hereditary cancer-predisposing syndrome. Last evaluated: 2025-05-31. Review status: criteria provided, single submitter. Criteria: Ambry Variant Classification Scheme 2023. Collection method: clinical testing. Allele origin: germline.
Comment: The p.G112D variant (also known as c.335G>A), located in coding exon 3 of the EPCAM gene, results from a G to A substitution at nucleotide position 335. The glycine at codon 112 is replaced by aspartic acid, an amino acid with similar properties. This amino acid position is conserved. In addition, this alteration is predicted to be tolerated by in silico analysis. Based on the available evidence, the clinical significance of this variant remains unclear.